The following is an entry in ClinVar:

NM_006121.4(KRT1):c.48_49insAC (p.Phe17fs)

Gene: KRT1 (keratin 1; minus strand). Cytogenetic location: 12q13.13.
Variant type: Insertion.
Coding change: c.48_49insAC on transcript NM_006121.4 (MANE Select); coding-DNA positions 48 to 49, AC inserted.
Protein change: p.Phe17fs; shifts the reading frame from phenylalanine 17.
Molecular consequence: frameshift variant.
Genome position: GRCh38 VCF-style: chr12-52680300-A-AGT. GRCh37 (hg19) VCF-style: chr12-53074084-A-AGT.
Other names: short protein forms F17fs.
Identifiers: ClinVar variation 1805520 (VCV001805520.1), dbSNP rs2498639073, ClinGen allele CA915940206.

ClinVar aggregate classification (germline): Uncertain significance (1 of 4 stars; one submission).

Conditions:
Diffuse nonepidermolytic palmoplantar keratoderma (NEPPK). Also called: Nonepidermolytic palmoplantar keratoderma; Nonepidermolytic palmoplantar hyperkeratosis. Identifiers: Orphanet 530838, MedGen C1833030, MONDO:0010962, OMIM 600962, HP:0007404.

Submission:

Victorian Clinical Genetics Services, Murdoch Childrens Research Institute
Classification: Uncertain significance for Diffuse nonepidermolytic palmoplantar keratoderma. Last evaluated: 2020-10-19. Review status: criteria provided, single submitter. Criteria: ACMG Guidelines, 2015. Collection method: clinical testing. Allele origin: germline. Inheritance: Autosomal dominant inheritance. Affected: yes.
Comment: Based on the classification scheme VCGS_Germline_v0.6.1, this variant is classified as VUS - 3B. Following criteria are met: 0104 - Mechanism of disease for this gene is dominant negative. (N) 0107 - This gene is known to be associated with autosomal dominant disease. (N) 0201 - Variant is predicted to cause nonsense-mediated decay (NMD) and loss of protein. (P) 0301 - Variant is absent from gnomAD. (P) 0507 - Identified variant type is not compatible with in silico predictions of pathogenicity. (N) 0705 - No comparable variants in relevant codon/region have previous evidence for pathogenicity. (N) 0807 - Variant has not previously been reported in a clinical context. (N) 0905 - No published segregation evidence has been identified for this variant. (N) 1007 - No published functional evidence has been identified for this variant. (N) 1205 - Variant is not maternally inherited. (N) Legend: (P) - Pathogenic, (N) - Neutral, (B) - Benign